The following is an entry in ClinVar:

ClinVar aggregate classification (germline): Pathogenic (1 of 4 stars; one submission).

Conditions:
Duchenne muscular dystrophy (DMD). Also called: MUSCULAR DYSTROPHY, PSEUDOHYPERTROPHIC PROGRESSIVE, DUCHENNE TYPE; Duchenne Muscular Dystrophy (DMD). Identifiers: Orphanet 98896, MedGen C0013264, MONDO:0010679, OMIM 310200.

Submission:

Labcorp Genetics (formerly Invitae), Labcorp
Classification: Pathogenic for Duchenne muscular dystrophy. Last evaluated: 2025-12-09. Review status: criteria provided, single submitter. Criteria: Invitae Variant Classification Sherloc (09022015). Collection method: clinical testing. Allele origin: germline.
Comment: This sequence change creates a premature translational stop signal (p.Ala3209Hisfs*74) in the DMD gene. It is expected to result in an absent or disrupted protein product. Loss-of-function variants in DMD are known to be pathogenic (PMID: 16770791, 25007885). This variant is not present in population databases (gnomAD no frequency). This premature translational stop signal has been observed in individual(s) with clinical features of Duchenne muscular dystrophy (internal data). ClinVar contains an entry for this variant (Variation ID: 1072951). For these reasons, this variant has been classified as Pathogenic.

Literature cited by the submitters: PubMed 16770791; PubMed 25007885.

NM_004006.3(DMD):c.9624del (p.Ala3209fs)

Gene: DMD (dystrophin; minus strand). Cytogenetic location: Xp21.2.
Variant type: Deletion.
Coding change: c.9624del on transcript NM_004006.3 (MANE Select); coding-DNA position 9624, one base deleted (A; older notation c.9624delA).
Protein change: p.Ala3209fs; shifts the reading frame from alanine 3209.
Molecular consequence: frameshift variant.
Genome position (GRCh38, 1-based): chrX:31,206,607, T deleted on the plus strand (A on the coding strand, the reverse complement: DMD is on the minus strand); the first of 3 consecutive T bases (chrX:31,206,607-31,206,609); deleting any one gives the same sequence. VCF-style (leftmost placement, unchanged base first): chrX-31206606-CT-C. GRCh37 (hg19) VCF-style: chrX-31224723-CT-C.
Other names: c.9600del, p.Ala3201fs (NM_000109.4); c.9612del, p.Ala3205fs (NM_004009.3); c.9255del, p.Ala3086fs (NM_004010.3); c.5601del, p.Ala1868fs (NM_004011.4); c.5592del, p.Ala1865fs (NM_004012.4); c.2244del, p.Ala749fs (NM_004013.3, NM_004020.4, NM_004021.3 and 2 more transcripts); c.1437del, p.Ala480fs (NM_004014.3); c.420del, p.Ala141fs (NM_004015.3, NM_004016.3, NM_004017.3 and 2 more transcripts); short protein forms A141fs, A1865fs, A1868fs, A3086fs, A3201fs, A3205fs, A3209fs, A480fs.
Identifiers: ClinVar variation 1072951 (VCV001072951.9), dbSNP rs2148564212, ClinGen allele CA2499226610.